The following is an entry in ClinVar:

NM_001035.3(RYR2):c.3302G>A (p.Trp1101Ter)

Gene: RYR2 (ryanodine receptor 2; plus strand). Cytogenetic location: 1q43.
Variant type: single nucleotide variant.
Coding change: c.3302G>A on transcript NM_001035.3 (MANE Select); coding-DNA position 3302, G replaced by A.
Protein change: p.Trp1101Ter; replaces tryptophan 1101 with a stop codon.
Molecular consequence: nonsense.
Genome position (GRCh38, 1-based): chr1:237,566,654, G>A. VCF-style: chr1-237566654-G-A. GRCh37 (hg19) VCF-style: chr1-237729954-G-A.
Other names: short protein forms W1101*.
Identifiers: ClinVar variation 3385704 (VCV003385704.1).

ClinVar aggregate classification (germline): Uncertain significance (1 of 4 stars; one submission).

Conditions:
Catecholaminergic polymorphic ventricular tachycardia (CVPT). Also called: Catecholamine-induced polymorphic ventricular tachycardia. Identifiers: Orphanet 3286, MedGen C5574922, MONDO:0017990.

Submission:

All of Us Research Program, National Institutes of Health
Classification: Uncertain significance for Catecholaminergic polymorphic ventricular tachycardia. Last evaluated: 2024-06-09. Review status: criteria provided, single submitter. Criteria: ACMG Guidelines, 2015. Collection method: clinical testing. Allele origin: germline. Inheritance: Autosomal dominant inheritance. Observed: 1 variant allele, 1 heterozygote.
Comment: This variant changes 1 nucleotide in exon 28 of the RYR2 gene, creating a premature translation stop signal. This variant is expected to result in an absent or non-functional protein product. To our knowledge, this variant has not been reported in individuals affected with RYR2-related disorders in the literature. This variant has not been identified in the general population by the Genome Aggregation Database (gnomAD). Clinical relevance of loss-of-function RYR2 truncation variants in autosomal dominant cardiovascular disorders is not clearly established. The available evidence is insufficient to determine the role of this variant in disease conclusively. Therefore, this variant is classified as a Variant of Uncertain Significance.

This study involves interpretation of variants in research participants for the purpose of population health screening. Participant phenotype was not available at the time of variant classification. Additional details can be found in publication PMID: 35346344, PMCID: PMC8962531